The following is an entry in ClinVar:

ClinVar aggregate classification (germline): Uncertain significance (1 of 4 stars; one submission).

Submission:

Labcorp Genetics (formerly Invitae), Labcorp
Classification: Uncertain significance. Last evaluated: 2021-11-29. Review status: criteria provided, single submitter. Criteria: Invitae Variant Classification Sherloc (09022015). Collection method: clinical testing. Allele origin: germline.
Comment: This variant has not been reported in the literature in individuals affected with MRPS22-related conditions. In summary, the available evidence is currently insufficient to determine the role of this variant in disease. Therefore, it has been classified as a Variant of Uncertain Significance. Algorithms developed to predict the effect of missense changes on protein structure and function output the following: SIFT: "Tolerated"; PolyPhen-2: "Benign"; Align-GVGD: "Class C0". The valine amino acid residue is found in multiple mammalian species, which suggests that this missense change does not adversely affect protein function. This variant is not present in population databases (gnomAD no frequency). This sequence change replaces isoleucine, which is neutral and non-polar, with valine, which is neutral and non-polar, at codon 165 of the MRPS22 protein (p.Ile165Val).

NM_020191.4(MRPS22):c.493A>G (p.Ile165Val)

Gene: MRPS22 (mitochondrial ribosomal protein S22; plus strand). Cytogenetic location: 3q23.
Variant type: single nucleotide variant.
Coding change: c.493A>G on transcript NM_020191.4 (MANE Select); coding-DNA position 493, A replaced by G.
Protein change: p.Ile165Val; replaces isoleucine 165 with valine.
Molecular consequence: missense variant.
Genome position (GRCh38, 1-based): chr3:139,348,313, A>G. VCF-style: chr3-139348313-A-G. GRCh37 (hg19) VCF-style: chr3-139067155-A-G.
Other names: c.370A>G, p.Ile124Val (NM_001363857.1); c.490A>G, p.Ile164Val (NM_001363893.1); short protein forms I164V, I124V, I165V.
Identifiers: ClinVar variation 1448607 (VCV001448607.6), dbSNP rs2107788084, ClinGen allele CA354760304.